The following is an entry in ClinVar:

ClinVar aggregate classification (germline): Uncertain significance (1 of 4 stars; one submission).

Submission:

GeneDx
Classification: Uncertain significance. Last evaluated: 2023-07-05. Review status: criteria provided, single submitter. Criteria: GeneDx Variant Classification Process June 2021. Collection method: clinical testing. Allele origin: germline. Affected: yes.
Comment: Not observed at significant frequency in large population cohorts (gnomAD); In-frame deletion of 2 amino acids in a non-repeat region; In silico analysis supports that this variant does not alter protein structure/function; Has not been previously published as pathogenic or benign to our knowledge

NM_001378328.1(CELSR1):c.6978_6983del (p.Arg2327_Arg2328del)

Gene: CELSR1 (cadherin EGF LAG seven-pass G-type receptor 1; minus strand). Cytogenetic location: 22q13.31.
Variant type: Deletion.
Coding change: c.6978_6983del on transcript NM_001378328.1 (MANE Select); coding-DNA positions 6978 to 6983, 6 bases deleted (GAGGCG; older notation c.6978_6983delGAGGCG).
Protein change: p.Arg2327_Arg2328del.
Genome position (GRCh38, 1-based): chr22:46,381,951-46,381,956, CGCCTC deleted on the plus strand (GAGGCG on the coding strand, the reverse complement: CELSR1 is on the minus strand); deleting any 6 consecutive bases within chr22:46,381,951-46,381,961 gives the same sequence; the c. name uses the placement nearest the transcript's 3' end. VCF-style (leftmost placement, unchanged base first): chr22-46381950-TCGCCTC-T. GRCh37 (hg19) VCF-style: chr22-46777847-TCGCCTC-T.
Other names: c.6978_6983del, p.Arg2327_Arg2328del (NM_014246.4).
Identifiers: ClinVar variation 3360920 (VCV003360920.1).